The following is an entry in ClinVar:

NM_012434.5(SLC17A5):c.1169C>A (p.Ser390Tyr)

Gene: SLC17A5 (solute carrier family 17 member 5; minus strand). Cytogenetic location: 6q13.
Variant type: single nucleotide variant.
Coding change: c.1169C>A on transcript NM_012434.5 (MANE Select); coding-DNA position 1169, C replaced by A.
Protein change: p.Ser390Tyr; replaces serine 390 with tyrosine.
Molecular consequence: missense variant.
Genome position (GRCh38, 1-based): chr6:73,610,490, G>T on the plus strand (C>A on the coding strand, the complement: SLC17A5 is on the minus strand). VCF-style: chr6-73610490-G-T. GRCh37 (hg19) VCF-style: chr6-74320213-G-T.
Other names: c.938C>A, p.Ser313Tyr (NM_001382629.1); c.1169C>A, p.Ser390Tyr (NM_001382630.1, NM_001382633.1); c.1190C>A, p.Ser397Tyr (NM_001382631.1); c.1082C>A, p.Ser361Tyr (NM_001382632.1); c.1010C>A, p.Ser337Tyr (NM_001382634.1); c.1166C>A, p.Ser389Tyr (NM_001382635.1); c.851C>A, p.Ser284Tyr (NM_001382636.1); short protein forms S313Y, S397Y, S337Y, S361Y, S389Y, S284Y, S390Y.
Identifiers: ClinVar variation 4699271 (VCV004699271.1).

ClinVar aggregate classification (germline): Uncertain significance (1 of 4 stars; one submission).

Conditions:
Salla disease (SD). Also called: Sialuria, Finnish type; N-acetylneuraminic acid (NANA) storage disease (NSD); Infantile sialic acid storage disorder (ISSD); Less Severe FSASD (Salla Disease). Identifiers: Orphanet 309334, Orphanet 834, MedGen C1096903, MONDO:0011449, OMIM 604369.

gnomAD v4.1: 3 of 1,614,142 alleles (0.00019%); highest among the groups gnomAD compares: Non-Finnish European, 0.000085%; no homozygotes.

Submission:

Labcorp Genetics (formerly Invitae), Labcorp
Classification: Uncertain significance for Salla disease. Last evaluated: 2025-12-03. Review status: criteria provided, single submitter. Criteria: Invitae Variant Classification Sherloc (09022015). Collection method: clinical testing. Allele origin: germline.
Comment: This sequence change replaces serine, which is neutral and polar, with tyrosine, which is neutral and polar, at codon 390 of the SLC17A5 protein (p.Ser390Tyr). This variant is present in population databases (no rsID available, gnomAD 0.0009%). This variant has not been reported in the literature in individuals affected with SLC17A5-related conditions. Invitae Evidence Modeling of protein sequence and biophysical properties (such as structural, functional, and spatial information, amino acid conservation, physicochemical variation, residue mobility, and thermodynamic stability) indicates that this missense variant is not expected to disrupt SLC17A5 protein function with a negative predictive value of 95%. In summary, the available evidence is currently insufficient to determine the role of this variant in disease. Therefore, it has been classified as a Variant of Uncertain Significance.